The following is an entry in ClinVar:

ClinVar aggregate classification (germline): Uncertain significance. Review status: criteria provided, multiple submitters, no conflicts (2 of 4 stars). 3 submissions from 3 submitters: Uncertain significance (3). Last evaluated 2025-07-29.

Conditions:
Age related macular degeneration 9. Identifiers: MedGen C1969651, MONDO:0012659, OMIM 611378.
Complement component 3 deficiency. Identifiers: Orphanet 280133, MedGen C3151071, MONDO:0013417, OMIM 613779.
Atypical hemolytic-uremic syndrome with C3 anomaly. Also called: AHUS, SUSCEPTIBILITY TO, 5. Identifiers: Orphanet 2134, MedGen C2752037, MONDO:0013043, OMIM 612925.

Allele frequency attached by ClinVar (database versions not stated): TOPMed below 0.00001; gnomAD 0.00001.
gnomAD v4.1: 3 of 1,611,842 alleles (0.00019%); highest among the groups gnomAD compares: Non-Finnish European, 0.00025%; no homozygotes.

Submissions (3):

Mayo Clinic Laboratories, Mayo Clinic
Classification: Uncertain significance. Last evaluated: 2025-07-29. Review status: criteria provided, single submitter. Criteria: ACMG Guidelines, 2015. Collection method: clinical testing. Allele origin: germline. Observed: 1 variant allele.
Comment: PM2_supporting

Fulgent Genetics
Classification: Uncertain significance for Age related macular degeneration 9; Atypical hemolytic-uremic syndrome with C3 anomaly; Complement component 3 deficiency. Last evaluated: 2024-04-11. Review status: criteria provided, single submitter. Criteria: ACMG Guidelines, 2015. Collection method: clinical testing. Allele origin: germline.

Labcorp Genetics (formerly Invitae), Labcorp
Classification: Uncertain significance. Last evaluated: 2022-07-12. Review status: criteria provided, single submitter. Criteria: Invitae Variant Classification Sherloc (09022015). Collection method: clinical testing. Allele origin: germline.
Comment: This variant is present in population databases (no rsID available, gnomAD 0.0009%). In summary, the available evidence is currently insufficient to determine the role of this variant in disease. Therefore, it has been classified as a Variant of Uncertain Significance. Variants that disrupt the consensus splice site are a relatively common cause of aberrant splicing (PMID: 17576681, 9536098). Algorithms developed to predict the effect of sequence changes on RNA splicing suggest that this variant may create or strengthen a splice site. ClinVar contains an entry for this variant (Variation ID: 1468945). This variant has not been reported in the literature in individuals affected with C3-related conditions. This sequence change falls in intron 6 of the C3 gene. It does not directly change the encoded amino acid sequence of the C3 protein. It affects a nucleotide within the consensus splice site.

Literature cited by the submitters: PubMed 17576681 (cited by Labcorp Genetics (formerly Invitae), Labcorp); PubMed 9536098 (cited by Labcorp Genetics (formerly Invitae), Labcorp).

NM_000064.4(C3):c.683-3C>A

Gene: C3 (complement C3; minus strand). Cytogenetic location: 19p13.3.
Variant type: single nucleotide variant.
Coding change: c.683-3C>A on transcript NM_000064.4 (MANE Select); 3 bases into the intron before coding-DNA position 683, C replaced by A.
Molecular consequence: intron variant.
Genome position (GRCh38, 1-based): chr19:6,714,085, G>T on the plus strand (C>A on the coding strand, the complement: C3 is on the minus strand). VCF-style: chr19-6714085-G-T. GRCh37 (hg19) VCF-style: chr19-6714096-G-T.
Other names: p.?.
Identifiers: ClinVar variation 1468945 (VCV001468945.8), dbSNP rs1293161211, ClinGen allele CA631662341.